The following is an entry in ClinVar:

ClinVar aggregate classification (germline): Likely benign (1 of 4 stars; one submission).

Submission:

CeGaT Center for Human Genetics Tuebingen
Classification: Likely benign. Last evaluated: 2025-08-01. Review status: criteria provided, single submitter. Criteria: CeGaT Center For Human Genetics Tuebingen Variant Classification Criteria Version 2. Collection method: clinical testing. Allele origin: germline. Affected: yes. Observed: 1 variant allele.
Comment: PTCH1: PM2:Supporting, BP4, BP7

NM_000264.5(PTCH1):c.2136C>G (p.Leu712=)

Genes: PTCH1 (patched 1; minus strand), LOC100507346 (uncharacterized LOC100507346; plus strand). Cytogenetic location: 9q22.32.
Variant type: single nucleotide variant.
Coding change: c.2136C>G on transcript NM_000264.5 (MANE Select); coding-DNA position 2136, C replaced by G.
Protein change: p.Leu712=; no amino-acid change (leucine 712 retained).
Molecular consequence: synonymous variant. On other transcripts: non-coding transcript variant (2).
Genome position (GRCh38, 1-based): chr9:95,468,865, G>C on the plus strand (C>G on the coding strand, the complement: PTCH1 is on the minus strand). VCF-style: chr9-95468865-G-C. GRCh37 (hg19) VCF-style: chr9-98231147-G-C.
Other names: c.1938C>G, p.Leu646= (NM_001083602.3); c.2133C>G, p.Leu711= (NM_001083603.3); c.1683C>G, p.Leu561= (NM_001083604.3, NM_001083605.3, NM_001083606.3 and 1 more transcripts); c.1980C>G, p.Leu660= (NM_001354918.2).
Identifiers: ClinVar variation 4085726 (VCV004085726.8).